The following is an entry in ClinVar:

NM_030632.3(ASXL3):c.3136G>A (p.Gly1046Arg)

Gene: ASXL3 (ASXL transcriptional regulator 3; plus strand). Cytogenetic location: 18q12.1.
Variant type: single nucleotide variant.
Coding change: c.3136G>A on transcript NM_030632.3 (MANE Select); coding-DNA position 3136, G replaced by A.
Protein change: p.Gly1046Arg; replaces glycine 1046 with arginine.
Molecular consequence: missense variant.
Genome position (GRCh38, 1-based): chr18:33,742,984, G>A. VCF-style: chr18-33742984-G-A. GRCh37 (hg19) VCF-style: chr18-31322948-G-A.
Other names: c.3136G>A (NM_030632.1); short protein forms G1046R.
Identifiers: ClinVar variation 402202 (VCV000402202.5), dbSNP rs376997378, ClinGen allele CA8934033.

ClinVar aggregate classification (germline): Conflicting classifications of pathogenicity. Review status: criteria provided, conflicting classifications (1 of 4 stars). 3 submissions from 3 submitters: Likely pathogenic (1); Uncertain significance (2). Last evaluated 2019-01-18.

Conditions:
Abnormal brain morphology. Also called: Abnormality of brain morphology. Identifiers: MedGen C4021085, HP:0012443.
Bainbridge-Ropers syndrome. Also called: Severe feeding difficulties-failure to thrive-microcephaly due to ASXL3 deficiency syndrome. Identifiers: Orphanet 352577, MedGen C4750837, MONDO:0014205, OMIM 615485.

Allele frequency attached by ClinVar (database versions not stated): ExAC 0.00003; gnomAD exomes 0.00002; ESP Exome Variant Server 0.00008.

Submissions (3):

Revvity Omics, Revvity
Classification: Uncertain significance for Bainbridge-Ropers syndrome. Last evaluated: 2019-01-18. Review status: criteria provided, single submitter. Criteria: ACMG Guidelines, 2015. Collection method: clinical testing. Allele origin: germline.

Lupski Lab, Baylor-Hopkins CMG, Baylor College of Medicine
Classification: Likely pathogenic for Abnormal brain morphology. Review status: criteria provided, single submitter. Criteria: Karaca et al. (Neuron 2015). Collection method: research. Allele origin: inherited. Inheritance: Autosomal recessive inheritance. Affected: yes.

Neuberg Centre For Genomic Medicine, NCGM
Classification: Uncertain significance for Bainbridge-Ropers syndrome. Review status: criteria provided, single submitter. Criteria: ACMG Guidelines, 2015. Collection method: clinical testing. Allele origin: germline. Inheritance: Autosomal dominant inheritance. Affected: yes.
Comment: The missense c.3136G>Ap.Gly1046Arg in ASXL3 gene has been reported in an individual affected with ASXL3 related disorders. The variant is reported with an allele frequency of 0.002% in the gnomAD exomes database and is novel not in any individuals in 1000 Genomes database. This variant has been reported to the ClinVar database as Likely pathogenic/ Uncertain significance. The amino acid change p.Gly1046Arg in ASXL3 is predicted as conserved by GERP++ and PhyloP across 100 vertebrates. The amino acid Gly at position 1046 is changed to a Arg changing protein sequence and it might alter its composition and physico-chemical properties. Additional Functional studies are required to prove pathogenicity of the variant. For these reasons, this variant has been classified as Variant of Uncertain significance VUS.